The following is an entry in ClinVar:

NM_001378120.1(MBD5):c.2321del (p.Pro774fs)

Gene: MBD5 (methyl-CpG binding domain protein 5; plus strand). Cytogenetic location: 2q23.1.
Variant type: Deletion.
Coding change: c.2321del on transcript NM_001378120.1 (MANE Select); coding-DNA position 2321, one base deleted (C; older notation c.2321delC).
Protein change: p.Pro774fs; shifts the reading frame from proline 774.
Molecular consequence: frameshift variant.
Genome position (GRCh38, 1-based): chr2:148,470,264, C deleted; the last of 2 consecutive C bases (chr2:148,470,263-148,470,264); deleting either gives the same sequence. VCF-style (leftmost placement, unchanged base first): chr2-148470262-TC-T. GRCh37 (hg19) VCF-style: chr2-149227831-TC-T.
Other names: c.2321delC (NM_018328.4); c.2321del, p.Pro774fs (NM_018328.5); short protein forms P774fs.
Identifiers: ClinVar variation 536673 (VCV000536673.7), dbSNP rs1553518752, ClinGen allele CA658795867.

ClinVar aggregate classification (germline): Pathogenic (1 of 4 stars; one submission).

Conditions:
Intellectual developmental disorder, autosomal dominant 1. Also called: Intellectual disability, autosomal dominant 1; MBD5 Haploinsufficiency. Identifiers: Orphanet 228402, MedGen C1969562, MONDO:0007974, OMIM 156200.

Submission:

Labcorp Genetics (formerly Invitae), Labcorp
Classification: Pathogenic for Intellectual developmental disorder, autosomal dominant 1. Last evaluated: 2020-03-05. Review status: criteria provided, single submitter. Criteria: Invitae Variant Classification Sherloc (09022015). Collection method: clinical testing. Allele origin: germline.
Comment: This variant has not been reported in the literature in individuals with MBD5-related conditions. ClinVar contains an entry for this variant (Variation ID: 536673). For these reasons, this variant has been classified as Pathogenic. Loss-of-function variants in MBD5 are known to be pathogenic (PMID: 23422940, 23587880). This variant is not present in population databases (ExAC no frequency). This sequence change creates a premature translational stop signal (p.Pro774Glnfs*10) in the MBD5 gene. It is expected to result in an absent or disrupted protein product.

Literature cited by the submitters: PubMed 23422940; PubMed 23587880.